The following is an entry in ClinVar:

ClinVar aggregate classification (germline): Likely benign (1 of 4 stars; one submission).

Conditions:
Hearing loss, autosomal dominant 74. Also called: DEAFNESS, AUTOSOMAL DOMINANT 74. Identifiers: MedGen C4748334, MONDO:0029137, OMIM 618140.

gnomAD v4.1: 1 of 1,604,184 alleles (0.000062%); highest among the groups gnomAD compares: South Asian, 0.0011%; no homozygotes.

Submission:

Centre for Medical Genetics,  Mumbai
Classification: Likely benign for Hearing loss, autosomal dominant 74. Last evaluated: 2026-04-27. Review status: criteria provided, single submitter. Criteria: ACMG Guidelines, 2015. Collection method: provider interpretation. Allele origin: germline. Inheritance: Autosomal dominant inheritance. Affected: no. Observed: 1 variant allele, 1 homozygote.
Comment: The variant satisfies PM2 criteria - extremely low frequency in gnomAD population databases. The variant satisfies PP3 criteria - for a missense or a splicing region variant, computational prediction tools unanimously support a deleterious effect on the gene. However, the variant satisfies BS2 criteria - present in homozygous state in an individual that clinically does not have deafness.

Literature cited by the submitters: PubMed 29860631.

NM_001191057.4(PDE1C):c.499G>C (p.Asp167His)

Gene: PDE1C (phosphodiesterase 1C; minus strand). Cytogenetic location: 7p14.3.
Variant type: single nucleotide variant.
Coding change: c.499G>C on transcript NM_001191057.4 (MANE Select); coding-DNA position 499, G replaced by C.
Protein change: p.Asp167His; replaces aspartic acid 167 with histidine.
Molecular consequence: missense variant.
Genome position (GRCh38, 1-based): chr7:31,873,402, C>G on the plus strand (G>C on the coding strand, the complement: PDE1C is on the minus strand). VCF-style: chr7-31873402-C-G. GRCh37 (hg19) VCF-style: chr7-31913015-C-G.
Other names: c.499G>C, p.Asp167His (NM_001191056.3, NM_001191059.4, NM_001322055.2 and 3 more transcripts); c.679G>C, p.Asp227His (NM_001191058.4, NM_001322058.2); c.904G>C, p.Asp302His (NM_001322059.2); short protein forms D167H, D227H, D302H.
Identifiers: ClinVar variation 4852274 (VCV004852274.1).